The following is an entry in ClinVar:

ClinVar aggregate classification (germline): Pathogenic (1 of 4 stars; one submission).

Conditions:
Combined malonic and methylmalonic acidemia. Identifiers: Orphanet 289504, MedGen C3280314, MONDO:0013661, OMIM 614265.

Submission:

Labcorp Genetics (formerly Invitae), Labcorp
Classification: Pathogenic for Combined malonic and methylmalonic acidemia. Last evaluated: 2022-08-17. Review status: criteria provided, single submitter. Criteria: Invitae Variant Classification Sherloc (09022015). Collection method: clinical testing. Allele origin: germline.
Comment: A gross deletion of the genomic region encompassing the full coding sequence of the ACSF3 gene has been identified. Loss-of-function variants in ACSF3 are known to be pathogenic (PMID: 21841779, 26827111). The boundaries of this event are unknown as they extend beyond the assayed region for this gene and therefore may encompass additional genes. Isolated whole-gene deletion of ACSF3 have not been reported in the literature. However, larger copy number events that include this gene have been reported (PMID: 26827111). For these reasons, this variant has been classified as Pathogenic.

Literature cited by the submitters: PubMed 21841779; PubMed 26827111.

NC_000016.9:g.(?_89167090)_(89220615_?)del

Gene: ACSF3 (acyl-CoA synthetase family member 3; plus strand). Cytogenetic location: 16q24.3.
Variant type: Deletion.
Identifiers: ClinVar variation 2427523 (VCV002427523.3).